The following is an entry in ClinVar:

ClinVar aggregate classification (germline): Likely benign. Review status: criteria provided, multiple submitters, no conflicts (2 of 4 stars). 5 submissions from 5 submitters: Likely benign (4). 1 of the submissions does not count toward it. Last evaluated 2025-11-08.

Conditions:
PLEC-related disorder. Also called: PLEC-related disorders; PLEC-related condition.
Epidermolysis bullosa simplex, Ogna type (EBS5A). Also called: Pidermolysis bullosa simplex 5A, Ogna type; EPIDERMOLYSIS BULLOSA SIMPLEX 5A, OGNA TYPE. Identifiers: Orphanet 79401, MedGen C0432317, MONDO:0007555, OMIM 131950.
Epidermolysis bullosa simplex 5C, with pyloric atresia (EBS5C). Also called: PLEC1-Related Epidermolysis Bullosa with Pyloric Atresia; PLEC-Related Epidermolysis Bullosa with Pyloric Atresia; Epidermolysis bullosa simplex with pyloric atresia. Identifiers: Orphanet 158684, MedGen C2677349, MONDO:0012807, OMIM 612138.
Epidermolysis bullosa simplex 5B, with muscular dystrophy (EBS5B). Also called: Epidermolysis bullosa simplex with muscular dystrophy; EPIDERMOLYSIS BULLOSA SIMPLEX AND LIMB-GIRDLE MUSCULAR DYSTROPHY. Identifiers: Orphanet 257, MedGen C2931072, MONDO:0009181, OMIM 226670.
Epidermolysis bullosa simplex with nail dystrophy (EBS5D). Identifiers: MedGen C4225309, MONDO:0014661, OMIM 616487.
Autosomal recessive limb-girdle muscular dystrophy type 2Q (LGMDR17). Also called: MUSCULAR DYSTROPHY, LIMB-GIRDLE, AUTOSOMAL RECESSIVE 17. Identifiers: Orphanet 254361, MedGen C3150989, MONDO:0013390, OMIM 613723.

Allele frequency attached by ClinVar (database versions not stated): ExAC 0.00063; 1000 Genomes Project 0.00080; ESP Exome Variant Server 0.00089; 1000 Genomes Project 30x 0.00094; gnomAD 0.00144 and 0.00168; TOPMed 0.00170.
gnomAD v4.1: 392 of 1,567,690 alleles (0.025%); highest among the groups gnomAD compares: African/African-American, 0.44%; 1 homozygote.

Submissions (5):

Labcorp Genetics (formerly Invitae), Labcorp
Classification: Likely benign for Autosomal recessive limb-girdle muscular dystrophy type 2Q; Epidermolysis bullosa simplex, Ogna type; Epidermolysis bullosa simplex with nail dystrophy; Epidermolysis bullosa simplex 5C, with pyloric atresia; Epidermolysis bullosa simplex 5B, with muscular dystrophy. Last evaluated: 2025-11-08. Review status: criteria provided, single submitter. Criteria: Invitae Variant Classification Sherloc (09022015). Collection method: clinical testing. Allele origin: germline.

GeneDx
Classification: Likely benign. Last evaluated: 2019-09-20. Review status: criteria provided, single submitter. Criteria: GeneDx Variant Classification Process June 2021. Collection method: clinical testing. Allele origin: germline. Affected: yes.

Eurofins Ntd Llc (ga)
Classification: Likely benign. Last evaluated: 2017-06-06. Review status: criteria provided, single submitter. Criteria: EGL Classification Definitions 2015. Collection method: clinical testing. Allele origin: germline. Observed: 8 variant alleles, 8 heterozygotes.

Breakthrough Genomics
Classification: Likely benign. Review status: criteria provided, single submitter. Criteria: ACMG Guidelines, 2015. Collection method: not provided. Allele origin: germline. Inheritance: Autosomal recessive inheritance. Affected: yes.

PreventionGenetics, part of Exact Sciences
Classification: Likely benign for PLEC-related condition. Last evaluated: 2022-04-10. Review status: no assertion criteria provided. Collection method: clinical testing. Allele origin: germline. Not counted in ClinVar's aggregate classification.
Comment: This variant is classified as likely benign based on ACMG/AMP sequence variant interpretation guidelines (Richards et al. 2015 PMID: 25741868, with internal and published modifications).

NM_201384.3(PLEC):c.11443G>C (p.Gly3815Arg)

Gene: PLEC (plectin; minus strand). Cytogenetic location: 8q24.3.
Variant type: single nucleotide variant.
Coding change: c.11443G>C on transcript NM_201384.3 (MANE Select); coding-DNA position 11443, G replaced by C.
Protein change: p.Gly3815Arg; replaces glycine 3815 with arginine.
Molecular consequence: missense variant.
Genome position (GRCh38, 1-based): chr8:143,918,378, C>G on the plus strand (G>C on the coding strand, the complement: PLEC is on the minus strand). VCF-style: chr8-143918378-C-G. GRCh37 (hg19) VCF-style: chr8-144992546-C-G.
Other names: c.11524G>C, p.Gly3842Arg (NM_000445.5); c.11401G>C, p.Gly3801Arg (NM_201378.4); c.11377G>C, p.Gly3793Arg (NM_201379.3); c.11854G>C, p.Gly3952Arg (NM_201380.4); c.11347G>C, p.Gly3783Arg (NM_201381.3); c.11443G>C, p.Gly3815Arg (NM_201382.4); c.11455G>C, p.Gly3819Arg (NM_201383.3); short protein forms G3783R, G3793R, G3801R, G3815R, G3819R, G3842R, G3952R.
Identifiers: ClinVar variation 378371 (VCV000378371.18), dbSNP rs200927137, ClinGen allele CA4924349.
Genomic context (GRCh38, chr8:143,918,378, plus strand): 5'-CGTGCGTGTCCTTGTTGAGGTAGCCACGCTGGTAAGCCACCTCCAGGGGAAGGTGGAAGC[C>G]CAGGCGGGGGTCCACGATGCCGCCGGTGGCCAGCTGGGCATCCAGCAGCCGCAGGGCCTC-3'
Protein context (NP_958786.1, residues 3805-3825): ATGGIVDPRL[Gly3815Arg]FHLPLEVAYQ